The following is an entry in ClinVar:

ClinVar aggregate classification (germline): Uncertain significance (1 of 4 stars; one submission).

Conditions:
SEMA3F-related disorder. Also called: SEMA3F-related condition.

gnomAD v4.1: 12 of 1,614,018 alleles (0.00074%); highest among the groups gnomAD compares: South Asian, 0.0011%; no homozygotes.

Submission:

PreventionGenetics, part of Exact Sciences
Classification: Uncertain significance for SEMA3F-related condition. Last evaluated: 2026-08-31. Review status: criteria provided, single submitter. Criteria: ACMG Guidelines, 2015. Collection method: clinical testing. Allele origin: germline.
Comment: The SEMA3F c.133G>A variant is predicted to result in the amino acid substitution p.Ala45Thr. To our knowledge, this variant has not been reported in the literature. This variant is reported in 0.0026% of alleles in individuals of European (Non-Finnish) descent in gnomAD. At this time, the clinical significance of this variant is uncertain due to the absence of conclusive functional and genetic evidence.

NM_004186.5(SEMA3F):c.133G>A (p.Ala45Thr)

Gene: SEMA3F (semaphorin 3F; plus strand). Cytogenetic location: 3p21.31.
Variant type: single nucleotide variant.
Coding change: c.133G>A on transcript NM_004186.5 (MANE Select); coding-DNA position 133, G replaced by A.
Protein change: p.Ala45Thr; replaces alanine 45 with threonine.
Molecular consequence: missense variant. On other transcripts: 5 prime UTR variant (1).
Genome position (GRCh38, 1-based): chr3:50,173,813, G>A. VCF-style: chr3-50173813-G-A. GRCh37 (hg19) VCF-style: chr3-50211246-G-A.
Other names: c.-72G>A (NM_001318798.2); c.133G>A, p.Ala45Thr (NM_001318800.2); short protein forms A45T.
Identifiers: ClinVar variation 4989081 (VCV004989081.1).